The following is an entry in ClinVar:

ClinVar aggregate classification (germline): Uncertain significance. Review status: criteria provided, multiple submitters, no conflicts (2 of 4 stars). 2 submissions from 2 submitters: Uncertain significance (2). Last evaluated 2025-01-12.

Submissions (2):

Labcorp Genetics (formerly Invitae), Labcorp
Classification: Uncertain significance. Last evaluated: 2025-01-12. Review status: criteria provided, single submitter. Criteria: Invitae Variant Classification Sherloc (09022015). Collection method: clinical testing. Allele origin: germline.
Comment: This sequence change replaces lysine, which is basic and polar, with arginine, which is basic and polar, at codon 38 of the RHOBTB2 protein (p.Lys38Arg). This variant is not present in population databases (gnomAD no frequency). This variant has not been reported in the literature in individuals affected with RHOBTB2-related conditions. ClinVar contains an entry for this variant (Variation ID: 1306299). Invitae Evidence Modeling of protein sequence and biophysical properties (such as structural, functional, and spatial information, amino acid conservation, physicochemical variation, residue mobility, and thermodynamic stability) has been performed for this missense variant. However, the output from this modeling did not meet the statistical confidence thresholds required to predict the impact of this variant on RHOBTB2 protein function. Algorithms developed to predict the effect of sequence changes on RNA splicing suggest that this variant may create or strengthen a splice site. In summary, the available evidence is currently insufficient to determine the role of this variant in disease. Therefore, it has been classified as a Variant of Uncertain Significance.

GeneDx
Classification: Uncertain significance. Last evaluated: 2019-06-12. Review status: criteria provided, single submitter. Criteria: GeneDx Variant Classification Process June 2021. Collection method: clinical testing. Allele origin: germline. Affected: yes.
Comment: Not observed in large population cohorts (Lek et al., 2016); In silico analysis, which includes protein predictors and evolutionary conservation, supports a deleterious effect; Has not been previously published as pathogenic or benign to our knowledge

NM_015178.3(RHOBTB2):c.47A>G (p.Lys16Arg)

Gene: RHOBTB2 (Rho related BTB domain containing 2; plus strand). Cytogenetic location: 8p21.3.
Variant type: single nucleotide variant.
Coding change: c.47A>G on transcript NM_015178.3 (MANE Select); coding-DNA position 47, A replaced by G.
Protein change: p.Lys16Arg; replaces lysine 16 with arginine.
Molecular consequence: missense variant.
Genome position (GRCh38, 1-based): chr8:23,004,481, A>G. VCF-style: chr8-23004481-A-G. GRCh37 (hg19) VCF-style: chr8-22861994-A-G.
Other names: c.47A>G, p.Lys16Arg (NM_001374791.1); c.113A>G, p.Lys38Arg (NM_001160036.2); c.68A>G, p.Lys23Arg (NM_001160037.2); short protein forms K16R, K23R, K38R.
Identifiers: ClinVar variation 1306299 (VCV001306299.4), dbSNP rs2128803309, ClinGen allele CA370558116.